The following is an entry in ClinVar:

ClinVar aggregate classification (germline): Uncertain significance (1 of 4 stars; one submission).

Allele frequency attached by ClinVar (database versions not stated): gnomAD exomes below 0.00001; ExAC 0.00001; gnomAD 0.00001; TOPMed 0.00001.
gnomAD v4.1: 6 of 1,609,276 alleles (0.00037%); highest among the groups gnomAD compares: South Asian, 0.0022%; no homozygotes.

Submission:

Labcorp Genetics (formerly Invitae), Labcorp
Classification: Uncertain significance. Last evaluated: 2024-01-22. Review status: criteria provided, single submitter. Criteria: Invitae Variant Classification Sherloc (09022015). Collection method: clinical testing. Allele origin: germline.
Comment: This sequence change replaces arginine, which is basic and polar, with tryptophan, which is neutral and slightly polar, at codon 647 of the SLC9A1 protein (p.Arg647Trp). The frequency data for this variant in the population databases is considered unreliable, as metrics indicate poor data quality at this position in the gnomAD database. This variant has not been reported in the literature in individuals affected with SLC9A1-related conditions. ClinVar contains an entry for this variant (Variation ID: 1952469). An algorithm developed to predict the effect of missense changes on protein structure and function (PolyPhen-2) suggests that this variant is likely to be disruptive. In summary, the available evidence is currently insufficient to determine the role of this variant in disease. Therefore, it has been classified as a Variant of Uncertain Significance.

NM_003047.5(SLC9A1):c.1939C>T (p.Arg647Trp)

Gene: SLC9A1 (solute carrier family 9 member A1; minus strand). Cytogenetic location: 1p36.11.
Variant type: single nucleotide variant.
Coding change: c.1939C>T on transcript NM_003047.5 (MANE Select); coding-DNA position 1939, C replaced by T.
Protein change: p.Arg647Trp; replaces arginine 647 with tryptophan.
Molecular consequence: missense variant. On other transcripts: non-coding transcript variant (1).
Genome position (GRCh38, 1-based): chr1:27,101,823, G>A on the plus strand (C>T on the coding strand, the complement: SLC9A1 is on the minus strand). VCF-style: chr1-27101823-G-A. GRCh37 (hg19) VCF-style: chr1-27428314-G-A.
Other names: short protein forms R647W.
Identifiers: ClinVar variation 1952469 (VCV001952469.5), dbSNP rs774782841, ClinGen allele CA710927.